The following is an entry in ClinVar:

NM_018901.4(PCDHA10):c.1166C>T (p.Thr389Met)

Genes: PCDHA3 (protocadherin alpha 3; plus strand), PCDHA4 (protocadherin alpha 4; plus strand), PCDHA5 (protocadherin alpha 5; plus strand), PCDHA6 (protocadherin alpha 6; plus strand), PCDHA7 (protocadherin alpha 7; plus strand) and 6 more. Cytogenetic location: 5q31.3.
Variant type: single nucleotide variant.
Coding change: c.1166C>T on transcript NM_018901.4 (MANE Select); coding-DNA position 1166, C replaced by T.
Protein change: p.Thr389Met; replaces threonine 389 with methionine.
Molecular consequence: missense variant. On other transcripts: intron variant (11).
Genome position (GRCh38, 1-based): chr5:140,857,214, C>T. VCF-style: chr5-140857214-C-T. GRCh37 (hg19) VCF-style: chr5-140236799-C-T.
Other names: c.1166C>T, p.Thr389Met (NM_031859.3, NM_031860.3); c.2394+68530C>T (NM_018900.4); c.1602+69322C>T (NM_031411.3); c.2388+59862C>T (NM_018905.3); c.2394+53623C>T (NM_018906.3); c.2385+47642C>T (NM_018907.4); c.2352+33087C>T (NM_018908.3); c.2394+26729C>T (NM_018909.4); and 4 more; short protein forms T389M.
Identifiers: ClinVar variation 161724 (VCV000161724.2), dbSNP rs193920994, ClinGen allele CA174669.

ClinVar aggregate classification (germline): Uncertain significance (0 of 4 stars; one submission).

Conditions:
Prostate cancer. Also called: Malignant tumor of prostate. Identifiers: Orphanet 1331, MedGen C0376358, MONDO:0008315, HP:0012125.

Allele frequency attached by ClinVar (database versions not stated): gnomAD exomes below 0.00001.
gnomAD v4.1: 5 of 1,598,500 alleles (0.00031%); highest among the groups gnomAD compares: Non-Finnish European, 0.00034%; 1 homozygote.

Submission:

Science for Life laboratory,  Karolinska Institutet
Classification: Uncertain significance for Malignant tumor of prostate. Review status: no assertion criteria provided. Collection method: not provided. Allele origin: somatic.
Comment: TumorID:SWE-4
ClinVar note: Converted during submission from Unknown to Uncertain significance.